The following is an entry in ClinVar:

ClinVar aggregate classification (germline): Uncertain significance. Review status: criteria provided, multiple submitters, no conflicts (2 of 4 stars). 4 submissions from 4 submitters: Uncertain significance (4). Last evaluated 2025-07-29.

Conditions:
POLG-related disorder. Also called: POLG-Related Spectrum Disorders; POLG-related condition; POLG-Related Disorders. Identifiers: MedGen C4763519.
Progressive sclerosing poliodystrophy (MTDPS4A). Also called: Mitochondrial DNA Depletion Syndrome 4A; ALPERS PROGRESSIVE INFANTILE POLIODYSTROPHY; Alpers Syndrome; NEURONAL DEGENERATION OF CHILDHOOD WITH LIVER DISEASE, PROGRESSIVE; Alpers-Huttenlocher Syndrome (AHS); ALPERS DIFFUSE DEGENERATION OF CEREBRAL GRAY MATTER WITH HEPATIC CIRRHOSIS. Identifiers: Orphanet 726, MedGen C0205710, MONDO:0008758, OMIM 203700.

Allele frequency attached by ClinVar (database versions not stated): TOPMed 0.00002; gnomAD 0.00005.
gnomAD v4.1: 51 of 1,613,858 alleles (0.0032%); highest among the groups gnomAD compares: African/African-American, 0.004%; no homozygotes.

Submissions (4):

Labcorp Genetics (formerly Invitae), Labcorp
Classification: Uncertain significance for Progressive sclerosing poliodystrophy. Last evaluated: 2025-07-29. Review status: criteria provided, single submitter. Criteria: Invitae Variant Classification Sherloc (09022015). Collection method: clinical testing. Allele origin: germline.
Comment: This sequence change replaces arginine, which is basic and polar, with tryptophan, which is neutral and slightly polar, at codon 562 of the POLG protein (p.Arg562Trp). This variant is present in population databases (rs756952607, gnomAD 0.008%). This missense change has been observed in individual(s) with POLG-associated conditions (PMID: 35641312). ClinVar contains an entry for this variant (Variation ID: 619389). Invitae Evidence Modeling of protein sequence and biophysical properties (such as structural, functional, and spatial information, amino acid conservation, physicochemical variation, residue mobility, and thermodynamic stability) indicates that this missense variant is expected to disrupt POLG protein function with a positive predictive value of 95%. In summary, the available evidence is currently insufficient to determine the role of this variant in disease. Therefore, it has been classified as a Variant of Uncertain Significance.

PreventionGenetics, part of Exact Sciences
Classification: Uncertain significance for POLG-related condition. Last evaluated: 2025-07-22. Review status: criteria provided, single submitter. Criteria: ACMG Guidelines, 2015. Collection method: clinical testing. Allele origin: germline.
Comment: The POLG c.1684C>T variant is predicted to result in the amino acid substitution p.Arg562Trp. To our knowledge, this variant has not been reported in the literature. However, a different amino acid change at this position (p.Arg562Gln) was previously reported in a patient with progressive external ophthalmoplegia (Di Fonzo et al. 2003. PubMed ID: 14635118). This variant is reported in 0.0080% of alleles in individuals of African descent in gnomAD. At this time, the clinical significance of this variant is uncertain due to the absence of conclusive functional and genetic evidence.

Athena Diagnostics
Classification: Uncertain significance. Last evaluated: 2020-07-07. Review status: criteria provided, single submitter. Criteria: Athena Diagnostics Criteria. Collection method: clinical testing. Allele origin: unknown.

Wong Mito Lab, Molecular and Human Genetics, Baylor College of Medicine
Classification: Uncertain significance for Progressive sclerosing poliodystrophy. Last evaluated: 2018-10-01. Review status: criteria provided, single submitter. Criteria: ACMG Guidelines, 2015. Collection method: clinical testing. Allele origin: germline.
Comment: The NM_002693.2:c.1684C>T (NP_002684.1:p.Arg562Trp) [GRCH38: NC_000015.10:g.89326640G>A] variant in POLG gene is interpretated to be a Uncertain Significance based on ACMG guidelines (PMID: 25741868). This variant meets the following evidence codes reported in the ACMG-guideline. PS1:This variation causes same amino-acid change as an established pathogenic variant. BS2:Observation of the variant in controls is inconsistent with penetrance of Mitochondrial DNA depletion syndrome 4A (Alpers type). Based on the evidence criteria codes applied, the variant is suggested to be Uncertain Significance.

Literature cited by the submitters: PubMed 35641312 (cited by Labcorp Genetics (formerly Invitae), Labcorp).

NM_002693.3(POLG):c.1684C>T (p.Arg562Trp)

Gene: POLG (DNA polymerase gamma, catalytic subunit; minus strand). Cytogenetic location: 15q26.1.
Variant type: single nucleotide variant.
Coding change: c.1684C>T on transcript NM_002693.3 (MANE Select); coding-DNA position 1684, C replaced by T.
Protein change: p.Arg562Trp; replaces arginine 562 with tryptophan.
Molecular consequence: missense variant.
Genome position (GRCh38, 1-based): chr15:89,326,640, G>A on the plus strand (C>T on the coding strand, the complement: POLG is on the minus strand). VCF-style: chr15-89326640-G-A. GRCh37 (hg19) VCF-style: chr15-89869871-G-A.
Other names: c.1684C>T, p.Arg562Trp (NM_001126131.2); short protein forms R562W.
Identifiers: ClinVar variation 619389 (VCV000619389.11), dbSNP rs756952607, ClinGen allele CA7724731.
Genomic context (GRCh38, chr15:89,326,640, plus strand): 5'-TAGATACACTGCTGGGGGTGGGCAGGGCTCACCCAGGGTGTCCAGGAAGGTGCTGGGGCC[G>A]CTTGGGCAGGAGCTCTGTGGTCCCCTTCAGCTTCTGCAAGCAGGCGCGGGCCATGACATC-3'
Protein context (NP_002684.1, residues 552-572): LKGTTELLPK[Arg562Trp]PQHLPGHPGW